The following is an entry in ClinVar:

NM_014003.4(DHX38):c.331C>T (p.Arg111Trp)

Gene: DHX38 (DEAH-box helicase 38; plus strand). Cytogenetic location: 16q22.2.
Variant type: single nucleotide variant.
Coding change: c.331C>T on transcript NM_014003.4 (MANE Select); coding-DNA position 331, C replaced by T.
Protein change: p.Arg111Trp; replaces arginine 111 with tryptophan.
Molecular consequence: missense variant.
Genome position (GRCh38, 1-based): chr16:72,096,829, C>T. VCF-style: chr16-72096829-C-T. GRCh37 (hg19) VCF-style: chr16-72130728-C-T.
Other names: c.331C>T (NM_014003.3); short protein forms R111W.
Identifiers: ClinVar variation 1917091 (VCV001917091.4), dbSNP rs1404402633, ClinGen allele CA396700614.

ClinVar aggregate classification (germline): Uncertain significance. Review status: criteria provided, multiple submitters, no conflicts (2 of 4 stars). 2 submissions from 2 submitters: Uncertain significance (2). Last evaluated 2025-11-03.

Allele frequency attached by ClinVar (database versions not stated): gnomAD exomes 0.00001; TOPMed below 0.00001.
gnomAD v4.1: 13 of 1,612,138 alleles (0.00081%); highest among the groups gnomAD compares: Non-Finnish European, 0.001%; no homozygotes.

Submissions (2):

Ambry Genetics
Classification: Uncertain significance. Last evaluated: 2025-11-03. Review status: criteria provided, single submitter. Criteria: Ambry Variant Classification Scheme 2023. Collection method: clinical testing. Allele origin: germline.

Labcorp Genetics (formerly Invitae), Labcorp
Classification: Uncertain significance. Last evaluated: 2022-06-13. Review status: criteria provided, single submitter. Criteria: Invitae Variant Classification Sherloc (09022015). Collection method: clinical testing. Allele origin: germline.
Comment: In summary, the available evidence is currently insufficient to determine the role of this variant in disease. Therefore, it has been classified as a Variant of Uncertain Significance. Algorithms developed to predict the effect of missense changes on protein structure and function (SIFT, PolyPhen-2, Align-GVGD) all suggest that this variant is likely to be disruptive. This variant has not been reported in the literature in individuals affected with DHX38-related conditions. This variant is present in population databases (no rsID available, gnomAD 0.0009%). This sequence change replaces arginine, which is basic and polar, with tryptophan, which is neutral and slightly polar, at codon 111 of the DHX38 protein (p.Arg111Trp).